The following is an entry in ClinVar:

NM_001290060.2(SEMA3B):c.1777G>A (p.Glu593Lys)

Gene: SEMA3B (semaphorin 3B; plus strand). Cytogenetic location: 3p21.31.
Variant type: single nucleotide variant.
Coding change: c.1777G>A on transcript NM_001290060.2 (MANE Select); coding-DNA position 1777, G replaced by A.
Protein change: p.Glu593Lys; replaces glutamic acid 593 with lysine.
Molecular consequence: missense variant. On other transcripts: non-coding transcript variant (1).
Genome position (GRCh38, 1-based): chr3:50,275,776, G>A. VCF-style: chr3-50275776-G-A. GRCh37 (hg19) VCF-style: chr3-50313207-G-A.
Other names: c.1774G>A, p.Glu592Lys (NM_001005914.3, NM_001435957.1, NM_001435958.1); c.1792G>A, p.Glu598Lys (NM_001290061.1); c.748G>A, p.Glu250Lys (NM_001290062.2, NM_001290063.2); c.1777G>A, p.Glu593Lys (NM_001435956.1, NM_004636.4); short protein forms E592K, E598K, E250K, E593K.
Identifiers: ClinVar variation 4989565 (VCV004989565.1).

ClinVar aggregate classification (germline): Uncertain significance (1 of 4 stars; one submission).

Conditions:
SEMA3B-related disorder. Also called: SEMA3B-related condition.

gnomAD v4.1: 7 of 1,612,760 alleles (0.00043%); highest among the groups gnomAD compares: East Asian, 0.013%; no homozygotes.

Submission:

PreventionGenetics, part of Exact Sciences
Classification: Uncertain significance for SEMA3B-related condition. Last evaluated: 2026-04-08. Review status: criteria provided, single submitter. Criteria: ACMG Guidelines, 2015. Collection method: clinical testing. Allele origin: germline.
Comment: The SEMA3B c.1792G>A variant is predicted to result in the amino acid substitution p.Glu598Lys. To our knowledge, this variant has not been reported in the literature. This variant is reported in 0.021% of alleles in individuals of East Asian descent in gnomAD. At this time, the clinical significance of this variant is uncertain due to the absence of conclusive functional and genetic evidence.